The following is an entry in ClinVar:

NM_006618.5(KDM5B):c.4483C>T (p.Pro1495Ser)

Gene: KDM5B (lysine demethylase 5B; minus strand). Cytogenetic location: 1q32.1.
Variant type: single nucleotide variant.
Coding change: c.4483C>T on transcript NM_006618.5 (MANE Select); coding-DNA position 4483, C replaced by T.
Protein change: p.Pro1495Ser; replaces proline 1495 with serine.
Molecular consequence: missense variant.
Genome position (GRCh38, 1-based): chr1:202,729,721, G>A on the plus strand (C>T on the coding strand, the complement: KDM5B is on the minus strand). VCF-style: chr1-202729721-G-A. GRCh37 (hg19) VCF-style: chr1-202698849-G-A.
Other names: c.4591C>T, p.Pro1531Ser (NM_001314042.2); c.4348C>T, p.Pro1450Ser (NM_001347591.2); c.4468C>T, p.Pro1490Ser (NM_001399817.1); short protein forms P1450S, P1490S, P1495S, P1531S.
Identifiers: ClinVar variation 2662538 (VCV002662538.1), dbSNP rs2527386700, ClinGen allele CA344260308.

ClinVar aggregate classification (germline): Uncertain significance (1 of 4 stars; one submission).

Allele frequency attached by ClinVar (database versions not stated): gnomAD exomes below 0.00001.
gnomAD v4.1: 2 of 1,613,372 alleles (0.00012%); highest among the groups gnomAD compares: Non-Finnish European, 0.00017%; no homozygotes.

Submission:

GeneDx
Classification: Uncertain significance. Last evaluated: 2023-04-10. Review status: criteria provided, single submitter. Criteria: GeneDx Variant Classification Process June 2021. Collection method: clinical testing. Allele origin: germline. Affected: yes.
Comment: Not observed at significant frequency in large population cohorts (gnomAD); In silico analysis supports that this missense variant has a deleterious effect on protein structure/function; Has not been previously published as pathogenic or benign to our knowledge